The following is an entry in ClinVar:

ClinVar aggregate classification (germline): Likely benign (1 of 4 stars; one submission).

Submission:

CeGaT Center for Human Genetics Tuebingen
Classification: Likely benign. Last evaluated: 2025-02-01. Review status: criteria provided, single submitter. Criteria: CeGaT Center For Human Genetics Tuebingen Variant Classification Criteria Version 2. Collection method: clinical testing. Allele origin: germline. Affected: yes. Observed: 1 variant allele.
Comment: AFP: BP4, BP7

NM_001134.3(AFP):c.1512A>G (p.Ser504=)

Gene: AFP (alpha fetoprotein; plus strand). Cytogenetic location: 4q13.3.
Variant type: single nucleotide variant.
Coding change: c.1512A>G on transcript NM_001134.3 (MANE Select); coding-DNA position 1512, A replaced by G.
Protein change: p.Ser504=; no amino-acid change (serine 504 retained).
Molecular consequence: synonymous variant.
Genome position (GRCh38, 1-based): chr4:73,452,484, A>G. VCF-style: chr4-73452484-A-G. GRCh37 (hg19) VCF-style: chr4-74318201-A-G.
Other names: c.1038A>G, p.Ser346= (NM_001354717.2).
Identifiers: ClinVar variation 3770746 (VCV003770746.13).